The following is an entry in ClinVar:

ClinVar aggregate classification (germline): Uncertain significance. Review status: criteria provided, multiple submitters, no conflicts (2 of 4 stars). 2 submissions from 2 submitters: Uncertain significance (2). Last evaluated 2025-06-17.

Allele frequency attached by ClinVar (database versions not stated): gnomAD exomes 0.00001; gnomAD 0.00001; TOPMed 0.00001.

Submissions (2):

GeneDx
Classification: Uncertain significance. Last evaluated: 2025-06-17. Review status: criteria provided, single submitter. Criteria: GeneDx Variant Classification Process June 2021. Collection method: clinical testing. Allele origin: germline. Affected: yes.
Comment: Not observed at significant frequency in large population cohorts (gnomAD); In silico analysis suggests that this missense variant does not alter protein structure/function; Has not been previously published as pathogenic or benign to our knowledge

Institute for Clinical Genetics, University Hospital TU Dresden, University Hospital TU Dresden
Classification: Uncertain significance. Last evaluated: 2021-11-03. Review status: criteria provided, single submitter. Criteria: ACMG Guidelines, 2015. Collection method: clinical testing. Allele origin: germline.

NM_139125.4(MASP1):c.937G>A (p.Glu313Lys)

Gene: MASP1 (MBL associated serine protease 1; minus strand). Cytogenetic location: 3q27.3.
Variant type: single nucleotide variant.
Coding change: c.937G>A on transcript NM_139125.4 (MANE Select); coding-DNA position 937, G replaced by A.
Protein change: p.Glu313Lys; replaces glutamic acid 313 with lysine.
Molecular consequence: missense variant. On other transcripts: non-coding transcript variant (1).
Genome position (GRCh38, 1-based): chr3:187,251,708, C>T on the plus strand (G>A on the coding strand, the complement: MASP1 is on the minus strand). VCF-style: chr3-187251708-C-T. GRCh37 (hg19) VCF-style: chr3-186969496-C-T.
Other names: c.937G>A, p.Glu313Lys (NM_001031849.3, NM_001879.6); c.937G>A (NM_139125.3); short protein forms E313K.
Identifiers: ClinVar variation 1319220 (VCV001319220.5), dbSNP rs1295781579, ClinGen allele CA355741597.
Genomic context (GRCh38, chr3:187,251,708, plus strand): 5'-AGCCTGTGTCACAGCTGACGAGCACTTGGTCTTTGAAGAAATACTTGGCTTGGGAGGGCT[C>T]GATTTTCCCATGGACAGGAGGCTGTAGCTCTGGGCACTCATTTCCTGGTGAGGAGCAAAT-3'
Protein context (NP_624302.1, residues 303-323): ELQPPVHGKI[Glu313Lys]PSQAKYFFKD